The following is an entry in ClinVar:

NM_005245.4(FAT1):c.4728C>T (p.Ala1576=)

Gene: FAT1 (FAT atypical cadherin 1; minus strand). Cytogenetic location: 4q35.2.
Variant type: single nucleotide variant.
Coding change: c.4728C>T on transcript NM_005245.4 (MANE Select); coding-DNA position 4728, C replaced by T.
Protein change: p.Ala1576=; no amino-acid change (alanine 1576 retained).
Molecular consequence: synonymous variant.
Genome position (GRCh38, 1-based): chr4:186,628,236, G>A on the plus strand (C>T on the coding strand, the complement: FAT1 is on the minus strand). VCF-style: chr4-186628236-G-A. GRCh37 (hg19) VCF-style: chr4-187549390-G-A.
Other names: c.4728C>T, p.Ala1576= (NM_001440455.1, NM_001440456.1, NM_001440457.1).
Identifiers: ClinVar variation 4998898 (VCV004998898.1).

ClinVar aggregate classification (germline): Likely benign (1 of 4 stars; one submission).

Conditions:
FAT1-related disorder. Also called: FAT1-related condition.

Submission:

PreventionGenetics, part of Exact Sciences
Classification: Likely benign for FAT1-related condition. Last evaluated: 2025-11-17. Review status: criteria provided, single submitter. Criteria: ACMG Guidelines, 2015. Collection method: clinical testing. Allele origin: germline.
Comment: This variant is classified as likely benign based on ACMG/AMP sequence variant interpretation guidelines (Richards et al. 2015 PMID: 25741868, with internal and published modifications).